The following is an entry in ClinVar:

NM_000138.5(FBN1):c.3689T>C (p.Met1230Thr)

Gene: FBN1 (fibrillin 1; minus strand). Cytogenetic location: 15q21.1.
Variant type: single nucleotide variant.
Coding change: c.3689T>C on transcript NM_000138.5 (MANE Select); coding-DNA position 3689, T replaced by C.
Protein change: p.Met1230Thr; replaces methionine 1230 with threonine.
Molecular consequence: missense variant.
Genome position (GRCh38, 1-based): chr15:48,485,397, A>G on the plus strand (T>C on the coding strand, the complement: FBN1 is on the minus strand). VCF-style: chr15-48485397-A-G. GRCh37 (hg19) VCF-style: chr15-48777594-A-G.
Other names: NM_000138.5(FBN1):c.3689T>C; p.Met1230Thr; short protein forms M1230T.
Identifiers: ClinVar variation 263789 (VCV000263789.24), dbSNP rs774003646, ClinGen allele CA051349.
Genomic context (GRCh38, chr15:48,485,397, plus strand): 5'-TACTGAGAGATTCAACATGAGGCTAGAACCTACTCACCGGTGCATGATCTCTGGTCAGGC[A>G]TTAGTGCAAATCCCGGCTGACAGCTACATTCATAGCTGCCTTCAGAGTTTGTGCAGAAGG-3'
Protein context (NP_000129.3, residues 1220-1240): ECSCQPGFAL[Met1230Thr]PDQRSCTDID

ClinVar aggregate classification (germline): Likely benign. Review status: reviewed by expert panel (3 of 4 stars). 5 submissions from 5 submitters: Likely benign (1). 4 of the submissions do not count toward it. Last evaluated 2022-12-01.

Conditions:
Marfan syndrome (MFS). Also called: MARFAN SYNDROME, TYPE I; FBN1-Related Marfan Syndrome; Marfan syndrome, classic; Marfan syndrome type 1; Marfan's syndrome. Identifiers: Orphanet 284963, Orphanet 558, MedGen C0024796, MONDO:0007947, OMIM 154700.
Familial thoracic aortic aneurysm and aortic dissection (TAAD). Also called: Thoracic aortic aneurysms and dissections. Identifiers: Orphanet 91387, MedGen C4707243, MONDO:0019625.
FBN1-related disorder. Also called: FBN1-related disorders.

Allele frequency attached by ClinVar (database versions not stated): ExAC 0.00001; gnomAD exomes 0.00001.

Submissions (5):

ClinGen FBN1 Variant Curation Expert Panel, ClinGen
Classification: Likely benign for Marfan syndrome. Last evaluated: 2022-12-01. Review status: reviewed by expert panel. Criteria: Assertion Criteria VCEP FBN1 Version 1. Collection method: curation. Allele origin: germline. Inheritance: Autosomal dominant inheritance.
Comment: NM_00138 c.3689T>C is a missense variant in FBN1 predicted to cause a substitution of a Methionine by Threonine at amino acid 1230 p.(Met1230Thr). . This variant has been previously reported in ClinVar as of uncertain significance (Variation ID: 263789). This variant has been identified in 0.0018% of individuals of European origin. Computational prediction tools and conservation analysis are unclear on the predicted impact on the protein. The constraint z-score for missense variants affecting FBN1 is 5.06 however due to the presence of one benign argument PP2 cannot be used . In summary, this variant meets criteria to be classified as likely benign for Marfan syndrome based on the ACMG/AMP criteria applied, as specified by the ClinGen FBN1 VCEP: BS4, BP2

Color Diagnostics, LLC DBA Color Health
Classification: Uncertain significance for Familial thoracic aortic aneurysm and aortic dissection. Last evaluated: 2025-07-11. Review status: criteria provided, single submitter. Criteria: ACMG Guidelines, 2015. Collection method: clinical testing. Allele origin: germline. Not counted in ClinVar's aggregate classification.
Comment: This missense variant replaces methionine with threonine at codon 1230 of the FBN1 protein. Computational prediction is inconclusive regarding the impact of this variant on protein structure and function. To our knowledge, functional studies have not been reported for this variant. This variant has not been reported in individuals affected with FBN1-related disorders in the literature. This variant has been identified in 2/251480 chromosomes in the general population by the Genome Aggregation Database (gnomAD). The available evidence is insufficient to determine the role of this variant in disease conclusively. Therefore, this variant is classified as a Variant of Uncertain Significance.

Labcorp Genetics (formerly Invitae), Labcorp
Classification: Uncertain significance for Marfan syndrome; Familial thoracic aortic aneurysm and aortic dissection. Last evaluated: 2023-03-20. Review status: criteria provided, single submitter. Criteria: Invitae Variant Classification Sherloc (09022015). Collection method: clinical testing. Allele origin: germline. Not counted in ClinVar's aggregate classification.
Comment: In summary, the available evidence is currently insufficient to determine the role of this variant in disease. Therefore, it has been classified as a Variant of Uncertain Significance. Advanced modeling of protein sequence and biophysical properties (such as structural, functional, and spatial information, amino acid conservation, physicochemical variation, residue mobility, and thermodynamic stability) has been performed at Invitae for this missense variant, however the output from this modeling did not meet the statistical confidence thresholds required to predict the impact of this variant on FBN1 protein function. This sequence change replaces methionine, which is neutral and non-polar, with threonine, which is neutral and polar, at codon 1230 of the FBN1 protein (p.Met1230Thr). This variant is present in population databases (rs774003646, gnomAD 0.002%). This variant has not been reported in the literature in individuals affected with FBN1-related conditions. ClinVar contains an entry for this variant (Variation ID: 263789).

Ambry Genetics
Classification: Uncertain significance for Familial thoracic aortic aneurysm and aortic dissection. Last evaluated: 2017-01-26. Review status: criteria provided, single submitter. Criteria: Ambry Variant Classification Scheme 2023. Collection method: clinical testing. Allele origin: germline. Not counted in ClinVar's aggregate classification.
Comment: The p.M1230T variant (also known as c.3689T>C), located in coding exon 29 of the FBN1 gene, results from a T to C substitution at nucleotide position 3689. The methionine at codon 1230 is replaced by threonine, an amino acid with some similar properties. This amino acid position is well conserved in available vertebrate species. In addition, this alteration is predicted to be deleterious by in silico analysis. Since supporting evidence is limited at this time, the clinical significance of this alteration remains unclear.

PreventionGenetics, part of Exact Sciences
Classification: Likely benign for FBN1-related condition. Last evaluated: 2024-05-03. Review status: no assertion criteria provided. Collection method: clinical testing. Allele origin: germline. Not counted in ClinVar's aggregate classification.
Comment: This variant is classified as likely benign based on ACMG/AMP sequence variant interpretation guidelines (Richards et al. 2015 PMID: 25741868, with internal and published modifications).